The following is an entry in ClinVar:

NM_000493.4(COL10A1):c.1282G>C (p.Gly428Arg)

Genes: COL10A1 (collagen type X alpha 1 chain; minus strand), NT5DC1 (5'-nucleotidase domain containing 1; plus strand). Cytogenetic location: 6q22.1.
Variant type: single nucleotide variant.
Coding change: c.1282G>C on transcript NM_000493.4 (MANE Select); coding-DNA position 1282, G replaced by C.
Protein change: p.Gly428Arg; replaces glycine 428 with arginine.
Molecular consequence: missense variant. On other transcripts: intron variant (1).
Genome position (GRCh38, 1-based): chr6:116,120,834, C>G on the plus strand (G>C on the coding strand, the complement: COL10A1 is on the minus strand). VCF-style: chr6-116120834-C-G. GRCh37 (hg19) VCF-style: chr6-116441997-C-G.
Other names: c.1282G>C, p.Gly428Arg (NM_001424106.1, NM_001424107.1); c.529+2889C>G (NM_152729.3); c.1282G>C (NM_000493.3); short protein forms G428R.
Identifiers: ClinVar variation 809986 (VCV000809986.52), dbSNP rs371658940, ClinGen allele CA3968210.

ClinVar aggregate classification (germline): Uncertain significance. Review status: criteria provided, multiple submitters, no conflicts (2 of 4 stars). 3 submissions from 3 submitters: Uncertain significance (3). Last evaluated 2024-10-29.

Conditions:
Inborn genetic diseases. Identifiers: MedGen C0950123, MeSH D030342.

Allele frequency attached by ClinVar (database versions not stated): gnomAD 0.00003; TOPMed 0.00006; gnomAD exomes 0.00007 and 0.00010; ExAC 0.00008; ESP Exome Variant Server 0.00015.
gnomAD v4.1: 148 of 1,613,886 alleles (0.0092%); highest among the groups gnomAD compares: Non-Finnish European, 0.012%; no homozygotes.

Submissions (3):

Ambry Genetics
Classification: Uncertain significance for Inborn genetic diseases. Last evaluated: 2024-10-29. Review status: criteria provided, single submitter. Criteria: Ambry Variant Classification Scheme 2023. Collection method: clinical testing. Allele origin: germline.

Labcorp Genetics (formerly Invitae), Labcorp
Classification: Uncertain significance. Last evaluated: 2024-04-27. Review status: criteria provided, single submitter. Criteria: Invitae Variant Classification Sherloc (09022015). Collection method: clinical testing. Allele origin: germline.
Comment: This sequence change replaces glycine, which is neutral and non-polar, with arginine, which is basic and polar, at codon 428 of the COL10A1 protein (p.Gly428Arg). This variant is present in population databases (rs371658940, gnomAD 0.01%). This variant has not been reported in the literature in individuals affected with COL10A1-related conditions. ClinVar contains an entry for this variant (Variation ID: 809986). Advanced modeling of protein sequence and biophysical properties (such as structural, functional, and spatial information, amino acid conservation, physicochemical variation, residue mobility, and thermodynamic stability) performed at Invitae indicates that this missense variant is expected to disrupt COL10A1 protein function with a positive predictive value of 80%. In summary, the available evidence is currently insufficient to determine the role of this variant in disease. Therefore, it has been classified as a Variant of Uncertain Significance.

CeGaT Center for Human Genetics Tuebingen
Classification: Uncertain significance. Last evaluated: 2019-03-01. Review status: criteria provided, single submitter. Criteria: CeGaT Center For Human Genetics Tuebingen Variant Classification Criteria Version 2. Collection method: clinical testing. Allele origin: germline. Affected: yes. Observed: 1 variant allele.